The following is an entry in ClinVar:

NM_000371.4(TTR):c.298A>G (p.Lys100Glu)

Gene: TTR (transthyretin; plus strand). Cytogenetic location: 18q12.1.
Variant type: single nucleotide variant.
Coding change: c.298A>G on transcript NM_000371.4 (MANE Select); coding-DNA position 298, A replaced by G.
Protein change: p.Lys100Glu; replaces lysine 100 with glutamic acid.
Molecular consequence: missense variant.
Genome position (GRCh38, 1-based): chr18:31,595,217, A>G. VCF-style: chr18-31595217-A-G. GRCh37 (hg19) VCF-style: chr18-29175180-A-G.
Other names: short protein forms K100E.
Identifiers: ClinVar variation 3697911 (VCV003697911.3).
Genomic context (GRCh38, chr18:31,595,217, plus strand): 5'-ACTGAGGAGGAATTTGTAGAAGGGATATACAAAGTGGAAATAGACACCAAATCTTACTGG[A>G]AGGCACTTGGCATCTCCCCATTCCATGAGCATGCAGAGGTGAGTATACAGACCTTCGAGG-3'
Protein context (NP_000362.1, residues 90-110): KVEIDTKSYW[Lys100Glu]ALGISPFHEH

ClinVar aggregate classification (germline): Uncertain significance. Review status: criteria provided, multiple submitters, no conflicts (2 of 4 stars). 2 submissions from 2 submitters: Uncertain significance (2). Last evaluated 2025-03-18.

Conditions:
Amyloidosis, hereditary systemic 1 (AMYLD1). Also called: Familial amyloid polyneuropathy; Transthyretin Amyloidosis; Hereditary oculoleptomeningeal amyloid angiopathy; Familial Transthyretin Amyloidosis; Isolated Cardiac Amyloidosis; Amyloid Cardiomyopathy, Transthyretin-related. Identifiers: Orphanet 85447, Orphanet 85451, MedGen C2751492, MONDO:0971004, OMIM 105210.

Submissions (2):

3billion
Classification: Uncertain significance for Amyloidosis, hereditary systemic 1. Last evaluated: 2025-03-18. Review status: criteria provided, single submitter. Criteria: ACMG Guidelines, 2015. Collection method: clinical testing. Allele origin: germline. Affected: yes.
Comment: The variant is not observed in the gnomAD v4.1.0 dataset. Predicted Consequence/Location: Missense changes are a common disease-causing mechanism. In silico tool predictions suggest damaging effect of the variant on gene or gene product [REVEL: 0.63 (>=0.6, sensitivity 0.68 and specificity 0.92); 3Cnet: 0.95 (> 0.75, sensitivity 0.96 and precision 0.92)]. A different missense change at the same codon (p.Lys100Arg) has been reported to be associated with TTR-related disorder (PMID: 28434367). However the evidence of pathogenicity is insufficient at this time. Therefore, this variant is classified as VUS according to the recommendation of ACMG/AMP guideline.

Labcorp Genetics (formerly Invitae), Labcorp
Classification: Uncertain significance for Amyloidosis, hereditary systemic 1. Last evaluated: 2024-11-24. Review status: criteria provided, single submitter. Criteria: Invitae Variant Classification Sherloc (09022015). Collection method: clinical testing. Allele origin: germline.
Comment: This sequence change replaces lysine, which is basic and polar, with glutamic acid, which is acidic and polar, at codon 100 of the TTR protein (p.Lys100Glu). This variant is not present in population databases (gnomAD no frequency). This variant has not been reported in the literature in individuals affected with TTR-related conditions. Invitae Evidence Modeling of protein sequence and biophysical properties (such as structural, functional, and spatial information, amino acid conservation, physicochemical variation, residue mobility, and thermodynamic stability) indicates that this missense variant is expected to disrupt TTR protein function with a positive predictive value of 80%. In summary, the available evidence is currently insufficient to determine the role of this variant in disease. Therefore, it has been classified as a Variant of Uncertain Significance.

Literature cited by the submitters: PubMed 28434367 (cited by 3billion).